The following is an entry in ClinVar:

ClinVar aggregate classification (germline): Benign/Likely benign. Review status: criteria provided, multiple submitters, no conflicts (2 of 4 stars). 11 submissions from 11 submitters: Benign (6); Likely benign (4). 1 of the submissions does not count toward it. Last evaluated 2026-02-04.

Conditions:
Inborn genetic diseases. Identifiers: MedGen C0950123, MeSH D030342.
Cohen syndrome (COH1). Also called: PEPPER SYNDROME; Cutis verticis gyrata, retinitis pigmentosa, and sensorineural deafness. Identifiers: Orphanet 193, MedGen C0265223, MONDO:0008999, OMIM 216550.

Allele frequency attached by ClinVar (database versions not stated): ESP Exome Variant Server 0.00069; gnomAD exomes 0.00178 and 0.00869; TOPMed 0.00494; 1000 Genomes Project 30x 0.00547; gnomAD 0.00213; 1000 Genomes Project 0.00479; ExAC 0.00707.
gnomAD v4.1: 2,913 of 1,614,046 alleles (0.18%); highest among the groups gnomAD compares: Admixed American, 4.5%; 97 homozygotes.

Submissions (11):

Labcorp Genetics (formerly Invitae), Labcorp
Classification: Benign for Cohen syndrome. Last evaluated: 2026-02-04. Review status: criteria provided, single submitter. Criteria: Invitae Variant Classification Sherloc (09022015). Collection method: clinical testing. Allele origin: germline.

Women's Health and Genetics/Laboratory Corporation of America, LabCorp
Classification: Likely benign. Last evaluated: 2026-01-23. Review status: criteria provided, single submitter. Criteria: LabCorp Variant Classification Summary - May 2015. Collection method: clinical testing. Allele origin: germline.

Blueprint Genetics
Classification: Likely benign. Last evaluated: 2024-11-27. Review status: criteria provided, single submitter. Criteria: ACMG Guidelines, 2015. Collection method: clinical testing. Allele origin: germline.

GeneDx
Classification: Benign. Last evaluated: 2019-03-17. Review status: criteria provided, single submitter. Criteria: GeneDx Variant Classification Process June 2021. Collection method: clinical testing. Allele origin: germline. Affected: yes.

Mayo Clinic Laboratories, Mayo Clinic
Classification: Benign. Last evaluated: 2018-08-17. Review status: criteria provided, single submitter. Criteria: ACMG Guidelines, 2015. Collection method: clinical testing. Allele origin: germline. Observed: 20 variant alleles.

Illumina Laboratory Services, Illumina
Classification: Likely benign for Cohen syndrome. Last evaluated: 2017-04-27. Review status: criteria provided, single submitter. Criteria: ICSL Variant Classification Criteria 13 December 2019. Collection method: clinical testing. Allele origin: germline.
Comment: This variant was observed as part of a predisposition screen in an ostensibly healthy population. A literature search was performed for the gene, cDNA change, and amino acid change (where applicable). No publications were found based on this search. Allele frequency data from public databases allowed determination this variant is unlikely to cause disease. Therefore, this variant is classified as likely benign.

Ambry Genetics
Classification: Benign for Inborn genetic diseases. Last evaluated: 2017-04-04. Review status: criteria provided, single submitter. Criteria: Ambry Variant Classification Scheme 2023. Collection method: clinical testing. Allele origin: germline.

Center for Pediatric Genomic Medicine, Children's Mercy Hospital and Clinics
Classification: Benign. Last evaluated: 2015-06-05. Review status: criteria provided, single submitter. Criteria: ACMG Guidelines, 2015. Collection method: clinical testing. Allele origin: germline.

Eurofins Ntd Llc (ga)
Classification: Benign. Last evaluated: 2013-10-11. Review status: criteria provided, single submitter. Criteria: EGL Classification Definitions 2015. Collection method: clinical testing. Allele origin: germline. Observed: 3 variant alleles, 3 heterozygotes.

Breakthrough Genomics
Classification: Likely benign. Review status: criteria provided, single submitter. Criteria: ACMG Guidelines, 2015. Collection method: not provided. Allele origin: germline. Inheritance: Autosomal recessive inheritance. Affected: yes.

Natera, Inc.
Classification: Benign for Cohen syndrome. Last evaluated: 2020-09-16. Review status: no assertion criteria provided. Collection method: clinical testing. Allele origin: germline. Not counted in ClinVar's aggregate classification.

NM_152564.5(VPS13B):c.5501C>T (p.Ser1834Leu)

Gene: VPS13B (vacuolar protein sorting 13 homolog B; plus strand). Cytogenetic location: 8q22.2.
Variant type: single nucleotide variant.
Coding change: c.5501C>T on transcript NM_152564.5 (MANE Select); coding-DNA position 5501, C replaced by T.
Protein change: p.Ser1834Leu; replaces serine 1834 with leucine.
Molecular consequence: missense variant.
Genome position (GRCh38, 1-based): chr8:99,642,091, C>T. VCF-style: chr8-99642091-C-T. GRCh37 (hg19) VCF-style: chr8-100654319-C-T.
Other names: c.5576C>T, p.Ser1859Leu (NM_017890.5); short protein forms S1834L.
Identifiers: ClinVar variation 95857 (VCV000095857.30), dbSNP rs144257406, ClinGen allele CA148948.